The following is an entry in ClinVar:

NM_004629.2(FANCG):c.1143+1G>T

Gene: FANCG (FA complementation group G; minus strand). Cytogenetic location: 9p13.3.
Variant type: single nucleotide variant.
Coding change: c.1143+1G>T on transcript NM_004629.2 (MANE Select); the canonical splice donor site of the intron after coding-DNA position 1143, G replaced by T.
Molecular consequence: splice donor variant.
Genome position (GRCh38, 1-based): chr9:35,075,961, C>A on the plus strand (G>T on the coding strand, the complement: FANCG is on the minus strand). VCF-style: chr9-35075961-C-A. GRCh37 (hg19) VCF-style: chr9-35075958-C-A.
Identifiers: ClinVar variation 4734623 (VCV004734623.1).

ClinVar aggregate classification (germline): Likely pathogenic (1 of 4 stars; one submission).

Conditions:
Fanconi anemia (FA). Also called: Fanconi's anemia. Identifiers: Orphanet 84, MedGen C0015625, MeSH D005199, MONDO:0019391.

Submission:

Labcorp Genetics (formerly Invitae), Labcorp
Classification: Likely pathogenic for Fanconi anemia. Last evaluated: 2026-01-03. Review status: criteria provided, single submitter. Criteria: Invitae Variant Classification Sherloc (09022015). Collection method: clinical testing. Allele origin: germline.
Comment: This sequence change affects a donor splice site in intron 9 of the FANCG gene. It is expected to disrupt RNA splicing. Variants that disrupt the donor or acceptor splice site typically lead to a loss of protein function (PMID: 16199547), and loss-of-function variants in FANCG are known to be pathogenic (PMID: 12552564). This variant is not present in population databases (gnomAD no frequency). This variant has not been reported in the literature in individuals affected with FANCG-related conditions. Algorithms developed to predict the effect of sequence changes on RNA splicing suggest that this variant may disrupt the consensus splice site. In summary, the currently available evidence indicates that the variant is pathogenic, but additional data are needed to prove that conclusively. Therefore, this variant has been classified as Likely Pathogenic.

Literature cited by the submitters: PubMed 16199547; PubMed 12552564.